The following is an entry in ClinVar:

ClinVar aggregate classification (germline): Benign (0 of 4 stars; one submission).

Conditions:
MUC16-related disorder. Also called: MUC16-related condition.

Allele frequency attached by ClinVar (database versions not stated): ESP Exome Variant Server 0.14457; gnomAD 0.16356; TOPMed 0.16414; gnomAD exomes 0.18536; 1000 Genomes Project 30x 0.18691; 1000 Genomes Project 0.19010; ExAC 0.19586.

Submission:

PreventionGenetics, part of Exact Sciences
Classification: Benign for MUC16-related condition. Last evaluated: 2019-10-18. Review status: no assertion criteria provided. Collection method: clinical testing. Allele origin: germline.
Comment: This variant is classified as benign based on ACMG/AMP sequence variant interpretation guidelines (Richards et al. 2015 PMID: 25741868, with internal and published modifications).

NM_001401501.2(MUC16):c.3163A>G (p.Arg1055Gly)

Gene: MUC16 (mucin 16, cell surface associated; minus strand). Cytogenetic location: 19p13.2.
Variant type: single nucleotide variant.
Coding change: c.3163A>G on transcript NM_001401501.2 (MANE Select); coding-DNA position 3163, A replaced by G.
Protein change: p.Arg1055Gly; replaces arginine 1055 with glycine.
Molecular consequence: missense variant.
Genome position (GRCh38, 1-based): chr19:8,978,096, T>C on the plus strand (A>G on the coding strand, the complement: MUC16 is on the minus strand). VCF-style: chr19-8978096-T-C. GRCh37 (hg19) VCF-style: chr19-9088772-T-C.
Other names: c.3589A>G, p.Arg1197Gly (NM_001414686.1); c.3043A>G, p.Arg1015Gly (NM_001414687.1, NM_024690.2); short protein forms R1015G, R1055G, R1197G.
Identifiers: ClinVar variation 3059092 (VCV003059092.2), dbSNP rs17000950, ClinGen allele CA9173099.